The following is an entry in ClinVar:

ClinVar aggregate classification (germline): Uncertain significance (1 of 4 stars; one submission).

Conditions:
Dystonic disorder. Also called: Dystonia. Identifiers: MedGen C0013421, MONDO:0003441, HP:0001332.

Allele frequency attached by ClinVar (database versions not stated): gnomAD exomes below 0.00001.
gnomAD v4.1: 2 of 1,592,096 alleles (0.00013%); highest among the groups gnomAD compares: Admixed American, 0.0017%; no homozygotes.

Submission:

Labcorp Genetics (formerly Invitae), Labcorp
Classification: Uncertain significance for Dystonic disorder. Last evaluated: 2022-06-08. Review status: criteria provided, single submitter. Criteria: Invitae Variant Classification Sherloc (09022015). Collection method: clinical testing. Allele origin: germline.
Comment: In summary, the available evidence is currently insufficient to determine the role of this variant in disease. Therefore, it has been classified as a Variant of Uncertain Significance. Variants that disrupt the consensus splice site are a relatively common cause of aberrant splicing (PMID: 17576681, 9536098). Algorithms developed to predict the effect of sequence changes on RNA splicing suggest that this variant may disrupt the consensus splice site. This variant has not been reported in the literature in individuals affected with ANO3-related conditions. This variant is present in population databases (no rsID available, gnomAD 0.003%). This sequence change falls in intron 14 of the ANO3 gene. It does not directly change the encoded amino acid sequence of the ANO3 protein. It affects a nucleotide within the consensus splice site.

Literature cited by the submitters: PubMed 17576681; PubMed 9536098.

NM_031418.4(ANO3):c.1447+5G>A

Genes: ANO3 (anoctamin 3; plus strand), MUC15 (mucin 15, cell surface associated; minus strand). Cytogenetic location: 11p14.2.
Variant type: single nucleotide variant.
Coding change: c.1447+5G>A on transcript NM_031418.4 (MANE Select); 5 bases into the intron after coding-DNA position 1447, G replaced by A.
Molecular consequence: intron variant. On other transcripts: 3 prime UTR variant (3).
Genome position (GRCh38, 1-based): chr11:26,559,784, G>A. VCF-style: chr11-26559784-G-A. GRCh37 (hg19) VCF-style: chr11-26581331-G-A.
Other names: c.*1281C>T (NM_001135091.2, NM_001135092.2, NM_145650.4); c.1630+5G>A (NM_001313726.2); c.1009+5G>A (NM_001313727.2).
Identifiers: ClinVar variation 1979673 (VCV001979673.4), dbSNP rs1346985425, ClinGen allele CA597922270.